The following is an entry in ClinVar:

NM_001261826.3(AP3D1):c.1421A>G (p.Gln474Arg)

Gene: AP3D1 (adaptor related protein complex 3 subunit delta 1; minus strand). Cytogenetic location: 19p13.3.
Variant type: single nucleotide variant.
Coding change: c.1421A>G on transcript NM_001261826.3 (MANE Select); coding-DNA position 1421, A replaced by G.
Protein change: p.Gln474Arg; replaces glutamine 474 with arginine.
Molecular consequence: missense variant.
Genome position (GRCh38, 1-based): chr19:2,120,922, T>C on the plus strand (A>G on the coding strand, the complement: AP3D1 is on the minus strand). VCF-style: chr19-2120922-T-C. GRCh37 (hg19) VCF-style: chr19-2120921-T-C.
Other names: c.1421A>G, p.Gln474Arg (NM_001374799.1, NM_003938.8); c.1421A>G (NM_003938.5); short protein forms Q474R.
Identifiers: ClinVar variation 2895431 (VCV002895431.4), dbSNP rs759313371, ClinGen allele CA9059324.
Genomic context (GRCh38, chr19:2,120,922, plus strand): 5'-TCTGAGAACTCCCCGCAGATCCAGGCGGCAGCGTACAGCACCTCACAGATCCCGTTCCGC[T>C]GGGTGCTGCTGGCCAGCAGGTGTGCACTGTCAAGCAGCGCAGACATCTGGGACACGGCGA-3'
Protein context (NP_001248755.1, residues 464-484): DSAHLLASST[Gln474Arg]RNGICEVLYA

ClinVar aggregate classification (germline): Uncertain significance. Review status: criteria provided, multiple submitters, no conflicts (2 of 4 stars). 2 submissions from 2 submitters: Uncertain significance (2). Last evaluated 2025-09-08.

Conditions:
Inborn genetic diseases. Identifiers: MedGen C0950123, MeSH D030342.

Allele frequency attached by ClinVar (database versions not stated): TOPMed below 0.00001; ExAC 0.00001; gnomAD 0.00001; gnomAD exomes 0.00001.
gnomAD v4.1: 9 of 1,611,614 alleles (0.00056%); highest among the groups gnomAD compares: Admixed American, 0.015%; no homozygotes.

Submissions (2):

Ambry Genetics
Classification: Uncertain significance for Inborn genetic diseases. Last evaluated: 2025-09-08. Review status: criteria provided, single submitter. Criteria: Ambry Variant Classification Scheme 2023. Collection method: clinical testing. Allele origin: germline.

Labcorp Genetics (formerly Invitae), Labcorp
Classification: Uncertain significance. Last evaluated: 2023-12-25. Review status: criteria provided, single submitter. Criteria: Invitae Variant Classification Sherloc (09022015). Collection method: clinical testing. Allele origin: germline.
Comment: This sequence change replaces glutamine, which is neutral and polar, with arginine, which is basic and polar, at codon 474 of the AP3D1 protein (p.Gln474Arg). This variant is present in population databases (rs759313371, gnomAD 0.02%). This variant has not been reported in the literature in individuals affected with AP3D1-related conditions. An algorithm developed to predict the effect of missense changes on protein structure and function (PolyPhen-2) suggests that this variant is likely to be tolerated. In summary, the available evidence is currently insufficient to determine the role of this variant in disease. Therefore, it has been classified as a Variant of Uncertain Significance.